The following is an entry in ClinVar:

ClinVar aggregate classification (germline): Conflicting classifications of pathogenicity. Review status: criteria provided, conflicting classifications (1 of 4 stars). 4 submissions from 4 submitters: Likely pathogenic (1); Uncertain significance (3). Last evaluated 2026-03-11.

Conditions:
RYR1-related disorder. Also called: RYR1-related disorders; RYR1-related condition. Identifiers: MedGen CN239331.
Congenital multicore myopathy with external ophthalmoplegia (CMYO1B). Also called: MULTIMINICORE DISEASE WITH EXTERNAL OPHTHALMOPLEGIA; MULTICORE MYOPATHY; Minicore myopathy with external ophthalmoplegia; Congenital myopathy 1B, autosomal recessive; Minicore myopathy. Identifiers: Orphanet 598, Orphanet 98905, MedGen C1850674, MONDO:0009712, OMIM 255320, HP:0003789.

Submissions (4):

PreventionGenetics, part of Exact Sciences
Classification: Uncertain significance for RYR1-related condition. Last evaluated: 2026-03-11. Review status: criteria provided, single submitter. Criteria: ACMG Guidelines, 2015. Collection method: clinical testing. Allele origin: germline.
Comment: The RYR1 c.14104T>C variant is predicted to result in the amino acid substitution p.Trp4702Arg. This variant has been reported in a large cohort of fetal samples with ultrasound anomalies; however, pathogenicity was not established with segregation or functional support (See supplemental Table 1. Yates et al. 2017. PubMed ID: 28425981). This variant has not been reported in a large population database (gnomAD), indicating this variant is rare. At this time, the clinical significance of this variant is uncertain due to the absence of conclusive functional and genetic evidence.

GeneDx
Classification: Likely pathogenic. Last evaluated: 2024-07-01. Review status: criteria provided, single submitter. Criteria: GeneDx Variant Classification Process June 2021. Collection method: clinical testing. Allele origin: germline. Affected: yes.
Comment: Not observed at significant frequency in large population cohorts (gnomAD); In silico analysis supports that this missense variant has a deleterious effect on protein structure/function; Has not been previously published as pathogenic or benign to our knowledge; This variant is associated with the following publications: (PMID: 20681998, 33767344, 27535533)

Labcorp Genetics (formerly Invitae), Labcorp
Classification: Uncertain significance for RYR1-related disorder. Last evaluated: 2022-12-05. Review status: criteria provided, single submitter. Criteria: Invitae Variant Classification Sherloc (09022015). Collection method: clinical testing. Allele origin: germline.
Comment: ClinVar contains an entry for this variant (Variation ID: 1301434). In summary, the available evidence is currently insufficient to determine the role of this variant in disease. Therefore, it has been classified as a Variant of Uncertain Significance. Advanced modeling of protein sequence and biophysical properties (such as structural, functional, and spatial information, amino acid conservation, physicochemical variation, residue mobility, and thermodynamic stability) performed at Invitae indicates that this missense variant is expected to disrupt RYR1 protein function. This variant has not been reported in the literature in individuals affected with RYR1-related conditions. This variant is not present in population databases (gnomAD no frequency). This sequence change replaces tryptophan, which is neutral and slightly polar, with arginine, which is basic and polar, at codon 4702 of the RYR1 protein (p.Trp4702Arg).

HudsonAlpha Institute for Biotechnology
Classification: Uncertain significance for Congenital multicore myopathy with external ophthalmoplegia. Last evaluated: 2021-09-16. Review status: criteria provided, single submitter. Criteria: ACMG Guidelines, 2015. Collection method: research. Allele origin: biparental. Observed: 1 homozygote. Study: CSER-SouthSeq.
Comment: ACMG codes: PM2; PP3

NM_000540.3(RYR1):c.14104T>C (p.Trp4702Arg)

Gene: RYR1 (ryanodine receptor 1; plus strand). Cytogenetic location: 19q13.2.
Variant type: single nucleotide variant.
Coding change: c.14104T>C on transcript NM_000540.3 (MANE Select); coding-DNA position 14104, T replaced by C.
Protein change: p.Trp4702Arg; replaces tryptophan 4702 with arginine.
Molecular consequence: missense variant.
Genome position (GRCh38, 1-based): chr19:38,573,282, T>C. VCF-style: chr19-38573282-T-C. GRCh37 (hg19) VCF-style: chr19-39063922-T-C.
Other names: c.14089T>C, p.Trp4697Arg (NM_001042723.2); short protein forms W4697R, W4702R.
Identifiers: ClinVar variation 1301434 (VCV001301434.10), dbSNP rs2145874187, ClinGen allele CA405682530.